The following is an entry in ClinVar:

ClinVar aggregate classification (germline): Uncertain significance (1 of 4 stars; one submission).

Submission:

Labcorp Genetics (formerly Invitae), Labcorp
Classification: Uncertain significance. Last evaluated: 2022-02-27. Review status: criteria provided, single submitter. Criteria: Invitae Variant Classification Sherloc (09022015). Collection method: clinical testing. Allele origin: germline.
Comment: In summary, the available evidence is currently insufficient to determine the role of this variant in disease. Therefore, it has been classified as a Variant of Uncertain Significance. Algorithms developed to predict the effect of missense changes on protein structure and function (SIFT, PolyPhen-2, Align-GVGD) all suggest that this variant is likely to be tolerated. This variant has not been reported in the literature in individuals affected with ATP13A3-related conditions. This variant is present in population databases (no rsID available, gnomAD 0.002%). This sequence change replaces glycine, which is neutral and non-polar, with tryptophan, which is neutral and slightly polar, at codon 1050 of the ATP13A3 protein (p.Gly1050Trp).

NM_001367549.1(ATP13A3):c.3148G>T (p.Gly1050Trp)

Gene: ATP13A3 (ATPase 13A3; minus strand). Cytogenetic location: 3q29.
Variant type: single nucleotide variant.
Coding change: c.3148G>T on transcript NM_001367549.1 (MANE Select); coding-DNA position 3148, G replaced by T.
Protein change: p.Gly1050Trp; replaces glycine 1050 with tryptophan.
Molecular consequence: missense variant. On other transcripts: non-coding transcript variant (2).
Genome position (GRCh38, 1-based): chr3:194,425,507, C>A on the plus strand (G>T on the coding strand, the complement: ATP13A3 is on the minus strand). VCF-style: chr3-194425507-C-A. GRCh37 (hg19) VCF-style: chr3-194146236-C-A.
Other names: c.3067G>T, p.Gly1023Trp (NM_001374836.1); c.3148G>T, p.Gly1050Trp (NM_024524.4); short protein forms G1023W, G1050W.
Identifiers: ClinVar variation 1945803 (VCV001945803.5), dbSNP rs930578393, ClinGen allele CA90592387.